The following is an entry in ClinVar:

NM_005733.3(KIF20A):c.131C>T (p.Ser44Phe)

Gene: KIF20A (kinesin family member 20A; plus strand). Cytogenetic location: 5q31.2.
Variant type: single nucleotide variant.
Coding change: c.131C>T on transcript NM_005733.3 (MANE Select); coding-DNA position 131, C replaced by T.
Protein change: p.Ser44Phe; replaces serine 44 with phenylalanine.
Molecular consequence: missense variant.
Genome position (GRCh38, 1-based): chr5:138,179,811, C>T. VCF-style: chr5-138179811-C-T. GRCh37 (hg19) VCF-style: chr5-137515500-C-T.
Other names: short protein forms S44F.
Identifiers: ClinVar variation 776591 (VCV000776591.31), dbSNP rs150704301, ClinGen allele CA3426225.

ClinVar aggregate classification (germline): Likely benign. Review status: criteria provided, multiple submitters, no conflicts (2 of 4 stars). 3 submissions from 3 submitters: Likely benign (3). Last evaluated 2026-06-01.

Allele frequency attached by ClinVar (database versions not stated): 1000 Genomes Project 30x 0.00250; 1000 Genomes Project 0.00260; gnomAD 0.00283 and 0.00284; gnomAD exomes 0.00288; ExAC 0.00289; TOPMed 0.00320; ESP Exome Variant Server 0.00346.

Submissions (3):

CeGaT Center for Human Genetics Tuebingen
Classification: Likely benign. Last evaluated: 2026-06-01. Review status: criteria provided, single submitter. Criteria: CeGaT Center For Human Genetics Tuebingen Variant Classification Criteria Version 2. Collection method: clinical testing. Allele origin: germline. Affected: yes. Observed: 3 variant alleles.
Comment: KIF20A: BP4, BS2

Labcorp Genetics (formerly Invitae), Labcorp
Classification: Likely benign. Last evaluated: 2026-02-01. Review status: criteria provided, single submitter. Criteria: Invitae Variant Classification Sherloc (09022015). Collection method: clinical testing. Allele origin: germline.

Breakthrough Genomics
Classification: Likely benign. Review status: criteria provided, single submitter. Criteria: ACMG Guidelines, 2015. Collection method: not provided. Allele origin: germline. Inheritance: Autosomal recessive inheritance. Affected: yes.